The following is an entry in ClinVar:

ClinVar aggregate classification (germline): Benign. Review status: criteria provided, multiple submitters, no conflicts (2 of 4 stars). 6 submissions from 5 submitters: Benign (6). Last evaluated 2026-01-12.

Conditions:
Liddle syndrome 2. Identifiers: MedGen C4748251, MONDO:0020854, OMIM 618114.
Pseudohypoaldosteronism, type IB1, autosomal recessive. Also called: Pseudohypoaldosteronism, Type I, Autosomal Recessive; PHA I, AUTOSOMAL RECESSIVE; Pseudohypoaldosteronism, Type I, Recessive; Autosomal recessive pseudohypoaldosteronism type 1. Identifiers: Orphanet 171876, Orphanet 756, MedGen C5774176, MONDO:0009917, OMIM 264350.

Allele frequency attached by ClinVar (database versions not stated): gnomAD 0.00344; TOPMed 0.00465; 1000 Genomes Project 30x 0.01296; 1000 Genomes Project 0.01298.
gnomAD v4.1: 2,998 of 1,607,686 alleles (0.19%); highest among the groups gnomAD compares: East Asian, 5.9%; 88 homozygotes.

Submissions (6):

Labcorp Genetics (formerly Invitae), Labcorp
Classification: Benign. Last evaluated: 2026-01-12. Review status: criteria provided, single submitter. Criteria: Invitae Variant Classification Sherloc (09022015). Collection method: clinical testing. Allele origin: germline.

Mayo Clinic Laboratories, Mayo Clinic
Classification: Benign. Last evaluated: 2023-04-03. Review status: criteria provided, single submitter. Criteria: ACMG Guidelines, 2015. Collection method: clinical testing. Allele origin: germline. Observed: 1 variant allele.

GeneDx
Classification: Benign. Last evaluated: 2021-05-24. Review status: criteria provided, single submitter. Criteria: GeneDx Variant Classification Process June 2021. Collection method: clinical testing. Allele origin: germline. Affected: yes.

Athena Diagnostics
Classification: Benign. Last evaluated: 2018-02-07. Review status: criteria provided, single submitter. Criteria: Athena Diagnostics Criteria. Collection method: clinical testing. Allele origin: germline.

Illumina Laboratory Services, Illumina
Classification: Benign for Liddle syndrome 2. Last evaluated: 2017-04-27. Review status: criteria provided, single submitter. Criteria: ICSL Variant Classification Criteria 13 December 2019. Collection method: clinical testing. Allele origin: germline.
Comment: This variant was observed as part of a predisposition screen in an ostensibly healthy population. A literature search was performed for the gene, cDNA change, and amino acid change (where applicable). No publications were found based on this search. Allele frequency data from public databases was too high to be consistent with this variant causing disease. Therefore, this variant is classified as benign.

Illumina Laboratory Services, Illumina
Classification: Benign for Pseudohypoaldosteronism, type IB1, autosomal recessive. Last evaluated: 2017-04-27. Review status: criteria provided, single submitter. Criteria: ICSL Variant Classification Criteria 13 December 2019. Collection method: clinical testing. Allele origin: germline.
Comment: the same text as in the submission from Illumina Laboratory Services, Illumina above.

NM_001039.4(SCNN1G):c.1569+10G>A

Gene: SCNN1G (sodium channel epithelial 1 subunit gamma; plus strand). Cytogenetic location: 16p12.2.
Variant type: single nucleotide variant.
Coding change: c.1569+10G>A on transcript NM_001039.4 (MANE Select); 10 bases into the intron after coding-DNA position 1569, G replaced by A.
Molecular consequence: intron variant.
Genome position (GRCh38, 1-based): chr16:23,214,797, G>A. VCF-style: chr16-23214797-G-A. GRCh37 (hg19) VCF-style: chr16-23226118-G-A.
Other names: p.?.
Identifiers: ClinVar variation 318358 (VCV000318358.17), dbSNP rs13306659, ClinGen allele CA7959915.